The following is an entry in ClinVar:

NM_015910.7(WDPCP):c.630_631dup (p.Lys211fs)

Gene: WDPCP (WD repeat containing planar cell polarity effector; minus strand). Cytogenetic location: 2p15.
Variant type: Microsatellite.
Coding change: c.630_631dup on transcript NM_015910.7 (MANE Select); coding-DNA positions 630 to 631, 2 bases duplicated (TA; older notation c.630_631dupTA).
Protein change: p.Lys211fs; shifts the reading frame from lysine 211.
Molecular consequence: frameshift variant. On other transcripts: non-coding transcript variant (3).
Genome position (GRCh38, 1-based): chr2:63,437,423-63,437,424, TA duplicated on the plus strand (TA on the coding strand, the reverse complement: WDPCP is on the minus strand); duplicating any 2 consecutive bases within chr2:63,437,423-63,437,426 gives the same sequence; the c. name uses the placement nearest the transcript's 3' end. VCF-style (leftmost placement, unchanged base first): chr2-63437422-T-TTA. GRCh37 (hg19) VCF-style: chr2-63664556-T-TTA.
Other names: c.630_631dup (NM_015910.5); c.153_154dup, p.Lys52fs (NM_001042692.3); c.558_559dup, p.Lys187fs (NM_001354044.2); c.630_631dup, p.Lys211fs (NM_001354045.2); short protein forms K187fs, K211fs, K52fs.
Identifiers: ClinVar variation 4685106 (VCV004685106.1), dbSNP rs769674404.

ClinVar aggregate classification (germline): Uncertain significance (1 of 4 stars; one submission).

Submission:

GeneDx
Classification: Uncertain significance. Last evaluated: 2025-07-11. Review status: criteria provided, single submitter. Criteria: GeneDx Variant Classification Process June 2021. Collection method: clinical testing. Allele origin: germline. Affected: yes.
Comment: Reported previously in an unaffected carrier; however, no further information was provided (PMID: 31964843); Frameshift variant predicted to result in protein truncation or nonsense mediated decay in a gene or region of a gene for which loss of function is not a well-established mechanism of disease; Not observed at significant frequency in large population cohorts (gnomAD); This variant is associated with the following publications: (PMID: 31964843, 28991257)